The following is an entry in ClinVar:

ClinVar aggregate classification (germline): Uncertain significance (1 of 4 stars; one submission).

Submission:

GeneDx
Classification: Uncertain significance. Last evaluated: 2025-09-19. Review status: criteria provided, single submitter. Criteria: GeneDx Variant Classification Process June 2021. Collection method: clinical testing. Allele origin: germline.
Comment: Not observed at significant frequency in large population cohorts (gnomAD); In silico analysis suggests that this missense variant does not alter protein structure/function; Has not been previously published as pathogenic or benign to our knowledge

NM_015047.3(EMC1):c.1181G>T (p.Ser394Ile)

Genes: EMC1 (ER membrane protein complex subunit 1; minus strand), EMC1-AS1 (EMC1 antisense RNA 1; plus strand). Cytogenetic location: 1p36.13.
Variant type: single nucleotide variant.
Coding change: c.1181G>T on transcript NM_015047.3 (MANE Select); coding-DNA position 1181, G replaced by T.
Protein change: p.Ser394Ile; replaces serine 394 with isoleucine.
Molecular consequence: missense variant.
Genome position (GRCh38, 1-based): chr1:19,238,048, C>A on the plus strand (G>T on the coding strand, the complement: EMC1 is on the minus strand). VCF-style: chr1-19238048-C-A. GRCh37 (hg19) VCF-style: chr1-19564542-C-A.
Other names: c.1178G>T, p.Ser393Ile (NM_001271427.2, NM_001375821.1); c.1181G>T, p.Ser394Ile (NM_001271428.2, NM_001375820.1); c.1115G>T, p.Ser372Ile (NM_001271429.2); short protein forms S372I, S393I, S394I.
Identifiers: ClinVar variation 2662688 (VCV002662688.2), dbSNP rs2536765934, ClinGen allele CA338766243.